The following is an entry in ClinVar:

NM_000393.5(COL5A2):c.1792C>T (p.Arg598Cys)

Gene: COL5A2 (collagen type V alpha 2 chain; minus strand). Cytogenetic location: 2q32.2.
Variant type: single nucleotide variant.
Coding change: c.1792C>T on transcript NM_000393.5 (MANE Select); coding-DNA position 1792, C replaced by T.
Protein change: p.Arg598Cys; replaces arginine 598 with cysteine.
Molecular consequence: missense variant.
Genome position (GRCh38, 1-based): chr2:189,063,249, G>A on the plus strand (C>T on the coding strand, the complement: COL5A2 is on the minus strand). VCF-style: chr2-189063249-G-A. GRCh37 (hg19) VCF-style: chr2-189927975-G-A.
Other names: short protein forms R598C.
Identifiers: ClinVar variation 408289 (VCV000408289.10), dbSNP rs1060501906, ClinGen allele CA16610611.
Genomic context (GRCh38, chr2:189,063,249, plus strand): 5'-CTGGAAGGCCCATGCTCCCGGGCTGCCCTCTGATTCCTATGGAGCCTGGAGGACCTGGAC[G>A]GCCATCTTCCCCTGGCGCACCCTATAGAATTGACAGGAGCCATGTAAGTTTCATGTAAGT-3'
Protein context (NP_000384.2, residues 588-608): GPLGAPGEDG[Arg598Cys]PGPPGSIGIR

ClinVar aggregate classification (germline): Uncertain significance. Review status: criteria provided, multiple submitters, no conflicts (2 of 4 stars). 3 submissions from 3 submitters: Uncertain significance (3). Last evaluated 2026-02-13.

Conditions:
Ehlers-Danlos syndrome, classic type, 1 (EDSCL1). Also called: EDS I; EHLERS-DANLOS SYNDROME, GRAVIS TYPE; EHLERS-DANLOS SYNDROME, SEVERE CLASSIC TYPE; Ehlers-Danlos syndrome, type 1; Ehlers-Danlos Syndrome, Classic Type, COL5A1-Related. Identifiers: MedGen C0268335, MONDO:0019567, OMIM 130000.
Familial thoracic aortic aneurysm and aortic dissection (TAAD). Also called: Thoracic aortic aneurysms and dissections. Identifiers: Orphanet 91387, MedGen C4707243, MONDO:0019625.

Allele frequency attached by ClinVar (database versions not stated): TOPMed below 0.00001; gnomAD exomes 0.00001.
gnomAD v4.1: 16 of 1,613,954 alleles (0.00099%); highest among the groups gnomAD compares: Non-Finnish European, 0.0013%; no homozygotes.

Submissions (3):

Ambry Genetics
Classification: Uncertain significance for Familial thoracic aortic aneurysm and aortic dissection. Last evaluated: 2026-02-13. Review status: criteria provided, single submitter. Criteria: Ambry Variant Classification Scheme 2023. Collection method: clinical testing. Allele origin: germline.
Comment: The p.R598C variant (also known as c.1792C>T), located in coding exon 27 of the COL5A2 gene, results from a C to T substitution at nucleotide position 1792. The arginine at codon 598 is replaced by cysteine, an amino acid with highly dissimilar properties. This amino acid position is conserved. In addition, this alteration is predicted to be deleterious by in silico analysis. Based on the available evidence, the clinical significance of this variant remains unclear.

Labcorp Genetics (formerly Invitae), Labcorp
Classification: Uncertain significance for Ehlers-Danlos syndrome, classic type, 1. Last evaluated: 2025-03-05. Review status: criteria provided, single submitter. Criteria: Invitae Variant Classification Sherloc (09022015). Collection method: clinical testing. Allele origin: germline.
Comment: This sequence change replaces arginine, which is basic and polar, with cysteine, which is neutral and slightly polar, at codon 598 of the COL5A2 protein (p.Arg598Cys). This variant is not present in population databases (gnomAD no frequency). This variant has not been reported in the literature in individuals affected with COL5A2-related conditions. ClinVar contains an entry for this variant (Variation ID: 408289). Invitae Evidence Modeling of protein sequence and biophysical properties (such as structural, functional, and spatial information, amino acid conservation, physicochemical variation, residue mobility, and thermodynamic stability) has been performed for this missense variant. However, the output from this modeling did not meet the statistical confidence thresholds required to predict the impact of this variant on COL5A2 protein function. In summary, the available evidence is currently insufficient to determine the role of this variant in disease. Therefore, it has been classified as a Variant of Uncertain Significance.

Blueprint Genetics
Classification: Uncertain significance. Last evaluated: 2024-10-30. Review status: criteria provided, single submitter. Criteria: ACMG Guidelines, 2015. Collection method: clinical testing. Allele origin: germline.